The following is an entry in ClinVar:

ClinVar aggregate classification (germline): Uncertain significance (1 of 4 stars; one submission).

Conditions:
Epilepsy, X-linked 1, with variable learning disabilities and behavior disorders. Also called: X-linked epilepsy-learning disabilities-behavior disorders syndrome. Identifiers: Orphanet 85294, MedGen C5774177, MONDO:0010339, OMIM 300491.

Submission:

Labcorp Genetics (formerly Invitae), Labcorp
Classification: Uncertain significance for Epilepsy, X-linked 1, with variable learning disabilities and behavior disorders. Last evaluated: 2021-12-20. Review status: criteria provided, single submitter. Criteria: Invitae Variant Classification Sherloc (09022015). Collection method: clinical testing. Allele origin: germline.
Comment: In summary, the available evidence is currently insufficient to determine the role of this variant in disease. Therefore, it has been classified as a Variant of Uncertain Significance. Algorithms developed to predict the effect of missense changes on protein structure and function are either unavailable or do not agree on the potential impact of this missense change (SIFT: "Tolerated"; PolyPhen-2: "Not Available"; Align-GVGD: "Class C0"). This variant has not been reported in the literature in individuals affected with SYN1-related conditions. This variant is not present in population databases (gnomAD no frequency). This sequence change replaces glutamine, which is neutral and polar, with arginine, which is basic and polar, at codon 585 of the SYN1 protein (p.Gln585Arg).

NM_006950.3(SYN1):c.1754A>G (p.Gln585Arg)

Gene: SYN1 (synapsin I; minus strand). Cytogenetic location: Xp11.3.
Variant type: single nucleotide variant.
Coding change: c.1754A>G on transcript NM_006950.3 (MANE Select); coding-DNA position 1754, A replaced by G.
Protein change: p.Gln585Arg; replaces glutamine 585 with arginine.
Molecular consequence: missense variant.
Genome position (GRCh38, 1-based): chrX:47,574,230, T>C on the plus strand (A>G on the coding strand, the complement: SYN1 is on the minus strand). VCF-style: chrX-47574230-T-C. GRCh37 (hg19) VCF-style: chrX-47433629-T-C.
Other names: c.1754A>G, p.Gln585Arg (NM_133499.2); short protein forms Q585R.
Identifiers: ClinVar variation 2050831 (VCV002050831.4), dbSNP rs2519684701, ClinGen allele CA412822687.